The following is an entry in ClinVar:

NM_014241.4(HACD1):c.217A>C (p.Thr73Pro)

Genes: HACD1 (3-hydroxyacyl-CoA dehydratase 1; minus strand), LOC130003454 (ATAC-STARR-seq lymphoblastoid silent region 2183; plus strand). Cytogenetic location: 10p12.33.
Variant type: single nucleotide variant.
Coding change: c.217A>C on transcript NM_014241.4 (MANE Select); coding-DNA position 217, A replaced by C.
Protein change: p.Thr73Pro; replaces threonine 73 with proline.
Molecular consequence: missense variant.
Genome position (GRCh38, 1-based): chr10:17,617,123, T>G on the plus strand (A>C on the coding strand, the complement: HACD1 is on the minus strand). VCF-style: chr10-17617123-T-G. GRCh37 (hg19) VCF-style: chr10-17659122-T-G.
Other names: short protein forms T73P.
Identifiers: ClinVar variation 1991746 (VCV001991746.4), dbSNP rs1554818186, ClinGen allele CA376207615.

ClinVar aggregate classification (germline): Uncertain significance (1 of 4 stars; one submission).

Allele frequency attached by ClinVar (database versions not stated): gnomAD exomes 0.00001.

Submission:

Labcorp Genetics (formerly Invitae), Labcorp
Classification: Uncertain significance. Last evaluated: 2023-10-13. Review status: criteria provided, single submitter. Criteria: Invitae Variant Classification Sherloc (09022015). Collection method: clinical testing. Allele origin: germline.
Comment: This sequence change replaces threonine, which is neutral and polar, with proline, which is neutral and non-polar, at codon 73 of the HACD1 protein (p.Thr73Pro). This variant is present in population databases (no rsID available, gnomAD 0.02%). This variant has not been reported in the literature in individuals affected with HACD1-related conditions. ClinVar contains an entry for this variant (Variation ID: 1991746). Advanced modeling of protein sequence and biophysical properties (such as structural, functional, and spatial information, amino acid conservation, physicochemical variation, residue mobility, and thermodynamic stability) performed at Invitae indicates that this missense variant is not expected to disrupt HACD1 protein function. In summary, the available evidence is currently insufficient to determine the role of this variant in disease. Therefore, it has been classified as a Variant of Uncertain Significance.